The following is an entry in ClinVar:

ClinVar aggregate classification (germline): Uncertain significance. Review status: criteria provided, multiple submitters, no conflicts (2 of 4 stars). 2 submissions from 2 submitters: Uncertain significance (2). Last evaluated 2025-08-01.

Submissions (2):

Ambry Genetics
Classification: Uncertain significance. Last evaluated: 2025-08-01. Review status: criteria provided, single submitter. Criteria: Ambry Variant Classification Scheme 2023. Collection method: clinical testing. Allele origin: germline.

Labcorp Genetics (formerly Invitae), Labcorp
Classification: Uncertain significance. Last evaluated: 2024-02-23. Review status: criteria provided, single submitter. Criteria: Invitae Variant Classification Sherloc (09022015). Collection method: clinical testing. Allele origin: germline.
Comment: This sequence change replaces methionine, which is neutral and non-polar, with isoleucine, which is neutral and non-polar, at codon 5052 of the HMCN1 protein (p.Met5052Ile). This variant is not present in population databases (gnomAD no frequency). This variant has not been reported in the literature in individuals affected with HMCN1-related conditions. An algorithm developed to predict the effect of missense changes on protein structure and function (PolyPhen-2) suggests that this variant is likely to be disruptive. In summary, the available evidence is currently insufficient to determine the role of this variant in disease. Therefore, it has been classified as a Variant of Uncertain Significance.

NM_031935.3(HMCN1):c.15156G>T (p.Met5052Ile)

Gene: HMCN1 (hemicentin 1; plus strand). Cytogenetic location: 1q31.1.
Variant type: single nucleotide variant.
Coding change: c.15156G>T on transcript NM_031935.3 (MANE Select); coding-DNA position 15156, G replaced by T.
Protein change: p.Met5052Ile; replaces methionine 5052 with isoleucine.
Molecular consequence: missense variant.
Genome position (GRCh38, 1-based): chr1:186,153,887, G>T. VCF-style: chr1-186153887-G-T. GRCh37 (hg19) VCF-style: chr1-186123019-G-T.
Other names: c.15156G>T (NM_031935.2); short protein forms M5052I.
Identifiers: ClinVar variation 3681008 (VCV003681008.3).
Genomic context (GRCh38, chr1:186,153,887, plus strand): 5'-CATCAGCATCCCATACACATGGAACCACACCGTTTTCTATGATCAGGCACAGGGAAGAAT[G>T]CCTTTCTTGGTTGAAACACTTCATGCATCCTCTGTGGAATCTGACTATAACCAGATAGAA-3'
Protein context (NP_114141.2, residues 5042-5062): TVFYDQAQGR[Met5052Ile]PFLVETLHAS